The following is an entry in ClinVar:

NM_001276345.2(TNNT2):c.587del (p.Gly196fs)

Gene: TNNT2 (troponin T2, cardiac type; minus strand). Cytogenetic location: 1q32.1.
Variant type: Deletion.
Coding change: c.587del on transcript NM_001276345.2 (MANE Select); coding-DNA position 587, one base deleted (G; older notation c.587delG).
Protein change: p.Gly196fs; shifts the reading frame from glycine 196.
Molecular consequence: frameshift variant.
Genome position (GRCh38, 1-based): chr1:201,363,309, C deleted on the plus strand (G on the coding strand, the reverse complement: TNNT2 is on the minus strand); the first of 5 consecutive C bases (chr1:201,363,309-201,363,313); deleting any one gives the same sequence. VCF-style (leftmost placement, unchanged base first): chr1-201363308-AC-A. GRCh37 (hg19) VCF-style: chr1-201332436-AC-A.
Other names: c.587del, p.Gly196fs (NM_000364.4, NM_001406723.1); c.557del, p.Gly186fs (NM_001001430.3, NM_001001431.3, NM_001276347.2 and 3 more transcripts); c.542del, p.Gly181fs (NM_001001432.3, NM_001406728.1); c.467del, p.Gly156fs (NM_001276346.2); c.554del, p.Gly185fs (NM_001406725.1); short protein forms G156fs, G181fs, G185fs, G186fs, G196fs.
Identifiers: ClinVar variation 4758629 (VCV004758629.2).

ClinVar aggregate classification (germline): Uncertain significance. Review status: criteria provided, multiple submitters, no conflicts (2 of 4 stars). 2 submissions from 2 submitters: Uncertain significance (2). Last evaluated 2026-01-21.

Conditions:
Hypertrophic cardiomyopathy 2. Also called: TNNT2-Related Familial Hypertrophic Cardiomyopathy. Identifiers: MedGen C1861864, MONDO:0007266, OMIM 115195.
Cardiomyopathy, familial restrictive, 3. Identifiers: Orphanet 75249, MedGen C2676271, MONDO:0012900, OMIM 612422.
Dilated cardiomyopathy 1D. Identifiers: Orphanet 154, Orphanet 54260, MedGen C1832243, MONDO:0011095, OMIM 601494.
Cardiomyopathy (CMYO). Also called: Cardiomyopathies. Identifiers: Orphanet 167848, MedGen C0878544, MONDO:0004994, HP:0001638. Inheritance: Various modes of inheritance.

Submissions (2):

Labcorp Genetics (formerly Invitae), Labcorp
Classification: Uncertain significance for Cardiomyopathy, familial restrictive, 3; Hypertrophic cardiomyopathy 2; Dilated cardiomyopathy 1D. Last evaluated: 2026-01-21. Review status: criteria provided, single submitter. Criteria: Invitae Variant Classification Sherloc (09022015). Collection method: clinical testing. Allele origin: germline.
Comment: This sequence change creates a premature translational stop signal (p.Gly186Valfs*39) in the TNNT2 gene. It is expected to result in an absent or disrupted protein product. However, the current clinical and genetic evidence is not sufficient to establish whether loss-of-function variants in TNNT2 cause disease. This variant is not present in population databases (gnomAD no frequency). This variant has not been reported in the literature in individuals affected with TNNT2-related conditions. In summary, the available evidence is currently insufficient to determine the role of this variant in disease. Therefore, it has been classified as a Variant of Uncertain Significance.

Color Diagnostics, LLC DBA Color Health
Classification: Uncertain significance for Cardiomyopathy. Last evaluated: 2025-07-01. Review status: criteria provided, single submitter. Criteria: ACMG Guidelines, 2015. Collection method: clinical testing. Allele origin: germline.
Comment: This variant deletes 1 nucleotide in exon 11 of the TNNT2 gene, creating a frameshift and premature translation stop signal. This variant is expected to result in an absent or non-functional protein product. To our knowledge, this variant has not been reported in individuals affected with TNNT2-related disorders in the literature. This variant has not been identified in the general population by the Genome Aggregation Database (gnomAD). Clinical relevance of loss-of-function TNNT2 truncation variants in autosomal dominant cardiovascular disorders is not clearly established. The available evidence is insufficient to determine the role of this variant in disease conclusively. Therefore, this variant is classified as a Variant of Uncertain Significance.